The following is an entry in ClinVar:

NM_007294.4(BRCA1):c.70T>A (p.Cys24Ser)

Gene: BRCA1 (BRCA1 DNA repair associated; minus strand). Cytogenetic location: 17q21.31.
Variant type: single nucleotide variant.
Coding change: c.70T>A on transcript NM_007294.4 (MANE Select); coding-DNA position 70, T replaced by A.
Protein change: p.Cys24Ser; replaces cysteine 24 with serine.
Molecular consequence: missense variant. On other transcripts: 5 prime UTR variant (1), non-coding transcript variant (1).
Genome position (GRCh38, 1-based): chr17:43,124,027, A>T on the plus strand (T>A on the coding strand, the complement: BRCA1 is on the minus strand). VCF-style: chr17-43124027-A-T. GRCh37 (hg19) VCF-style: chr17-41276044-A-T.
Other names: NM_007294.4(BRCA1):c.70T>A; p.Cys24Ser; c.70T>A, p.Cys24Ser (NM_001407612.1, NM_001407613.1, NM_001407614.1 and 193 more transcripts); c.-191T>A (NM_001407725.1, NM_001407730.1, NM_001407734.1 and 22 more transcripts); c.-137T>A (NM_001407726.1, NM_001407751.1); c.-188T>A (NM_001407727.1, NM_001407731.1, NM_001407733.1 and 11 more transcripts); c.-18T>A (NM_001407732.1, NM_001407736.1, NM_001407738.1 and 23 more transcripts); c.-195T>A (NM_001407741.1, NM_001407934.1, NM_001408497.1); and 10 more; short protein forms C24S.
Identifiers: ClinVar variation 638952 (VCV000638952.20), dbSNP rs80357410, ClinGen allele CA10602017.
Genomic context (GRCh38, chr17:43,124,027, plus strand): 5'-AGGAGATAATCATAGGAATCCCAAATTAATACACTCTTGTGCTGACTTACCAGATGGGAC[A>T]CTCTAAGATTTTCTGCATAGCATTAATGACATTTTGTACTTCTTCAACGCGAAGAGCAGA-3'
Protein context (NP_009225.1, residues 14-34): VINAMQKILE[Cys24Ser]PICLELIKEP

ClinVar aggregate classification (germline): Likely pathogenic. Review status: reviewed by expert panel (3 of 4 stars). 4 submissions from 4 submitters: Likely pathogenic (1). 3 of the submissions do not count toward it. Last evaluated 2026-07-15.

Conditions:
Hereditary breast ovarian cancer syndrome. Also called: Hereditary breast and ovarian cancer syndrome (HBOC); Hereditary breast and ovarian cancer; BRCA1- and BRCA2-Associated Hereditary Breast and Ovarian Cancer; Breast and ovarian cancer; Hereditary breast and ovarian cancer syndrome; Hereditary breast and/or ovarian cancer syndrome. Identifiers: Orphanet 145, MedGen C0677776, MeSH D061325, MONDO:0003582. Disease mechanism: loss of function.
Hereditary cancer-predisposing syndrome. Also called: Hereditary neoplastic syndrome; Tumor predisposition; Hereditary Cancer Syndrome; Neoplastic Syndromes, Hereditary. Identifiers: Orphanet 140162, MedGen C0027672, MeSH D009386, MONDO:0015356.
BRCA1-related cancer predisposition. Identifiers: MedGen CN377757, MONDO:0700268.

Submissions (5):

ClinGen ENIGMA BRCA1 and BRCA2 Variant Curation Expert Panel, ClinGen
Classification: Likely pathogenic for BRCA1-related cancer predisposition. Last evaluated: 2026-07-15. Review status: reviewed by expert panel. Criteria: CSpec BRCA1/2ACMG Rules Specifications V1.2. Collection method: curation. Allele origin: germline. Inheritance: Autosomal dominant inheritance.
Comment: The variant c.70T>A in BRCA1 is a missense variant predicted to cause substitution of Cysteine by Serine at amino acid 24 (p.Cys24Ser). This variant is absent from gnomAD v4.1 (read depth ≥25x in >90% samples, PM2_Supporting met). This BRCA1 missense variant is within a key functional domain and the computational predictor BayesDel (noAF) gives a score of 0.56, above the recommended threshold of 0.28 for prediction of impact on BRCA1 function via protein change. A SpliceAI score of 0.02 predicts no impact on splicing (score threshold <0.10) (PP3 met). This variant is reported by one calibrated study to exhibit protein function similar to pathogenic control variants (PMID: 30209399) (PS3 met). In summary, this variant meets the criteria to be classified as a Likely Pathogenic variant for BRCA1-related cancer predisposition based on the ACMG/AMP criteria applied as specified by the ENIGMA BRCA1/2 VCEP (PS3, PM2_Supporting, PP3).

Quest Diagnostics Nichols Institute San Juan Capistrano
Classification: Pathogenic. Last evaluated: 2024-05-17. Review status: criteria provided, single submitter. Criteria: Quest Diagnostics criteria. Collection method: clinical testing. Allele origin: unknown. Not counted in ClinVar's aggregate classification.
Comment: The BRCA1 c.70T>A (p.Cys24Ser) variant has been seen in multiple breast cancer patients with family histories of breast and/or ovarian cancer (Ambry Genetics, personal communication regarding ClinVar ID 638952). This variant has not been reported in large, multi-ethnic general populations (Genome Aggregation Database). The variant is located in a region that is considered important for protein function and/or structure (PMID: 16403807 (2006), PMID: 20103620 (2010)). Experimental studies demonstrated that this variant was damaging to protein function (PMID: 25823446 (2015), PMID: 30209399 (2018), PMID: 33087888 (2021)). Multiple other missense variants at this codon are considered to be pathogenic or likely pathogenic, suggesting this variant may also cause disease. Analysis of this variant using bioinformatics tools for the prediction of the effect of amino acid changes on protein structure and function yielded predictions that this variant is damaging. Based on the available information, this variant is classified as pathogenic.

Labcorp Genetics (formerly Invitae), Labcorp
Classification: Likely pathogenic for Hereditary breast ovarian cancer syndrome. Last evaluated: 2021-02-14. Review status: criteria provided, single submitter. Criteria: Invitae Variant Classification Sherloc (09022015). Collection method: clinical testing. Allele origin: germline. Not counted in ClinVar's aggregate classification.
Comment: This sequence change replaces cysteine with serine at codon 24 of the BRCA1 protein (p.Cys24Ser). The cysteine residue is highly conserved and there is a moderate physicochemical difference between cysteine and serine. This variant is not present in population databases (ExAC no frequency). This variant has not been reported in the literature in individuals with BRCA1-related conditions. ClinVar contains an entry for this variant (Variation ID: 638952). Advanced modeling of experimental studies (such as gene expression, population dynamics, functional pathways, and cell-cycle effects in cell culture) performed at Invitae indicates that this missense variant is expected to disrupt BRCA1 protein function. This variant disrupts the p.Cys24 amino acid residue in BRCA1. Other variant(s) that disrupt this residue have been observed in affected individuals (PMID: 25823446, 20103620, 18489799, 11320250), and experimental studies suggest this cysteine residue is critical for protein function (PMID: 11526114, 22843421, 21725363, 23161852, 25823446, 30209399). As a result, variants that disrupt this residue are likely to be causative of disease. In summary, the currently available evidence indicates that the variant is pathogenic, but additional data are needed to prove that conclusively. Therefore, this variant has been classified as Likely Pathogenic.

Ambry Genetics
Classification: Pathogenic for Hereditary cancer-predisposing syndrome. Last evaluated: 2019-07-30. Review status: criteria provided, single submitter. Criteria: Ambry Variant Classification Scheme 2023. Collection method: clinical testing. Allele origin: germline. Not counted in ClinVar's aggregate classification.
Comment: The p.C24S variant (also known as c.70T>A), located in coding exon 1 of the BRCA1 gene, results from a T to A substitution at nucleotide position 70. The cysteine at codon 24 is replaced by serine, an amino acid with dissimilar properties. This variant is non-functional in multiple assays including BARD1 binding, E3 Ubiquitin Ligase activity and a haploid cell survival assay (Findlay GM. Nature. 2018 10;562(7726):217-222; Starita LM et al. Genetics, 2015 Jun;200:413-22). Based on internal structural assessment, this alteration disrupts one of the Zn-binding sites of the BRCA1 RING domain (Ambry internal data; Brzovic PS et al. Nat. Struct. Biol., 2001 Oct;8:833-7). Multiple pathogenic alterations are located at this position highlighting its sensitivity to amino acid substitution (Ambry internal data). Based on the majority of available evidence to date, this alteration is interpreted as a disease-causing mutation.

Brotman Baty Institute, University of Washington
No classification provided (evidence only). Condition: Breast-ovarian cancer, familial 1. Review status: no classification provided. Collection method: in vitro. Allele origin: not applicable. Functional consequence: functionally_abnormal. Not counted in ClinVar's aggregate classification.
ClinVar note: "not provided" was previously submitted as the classification for the variant. However, the classification appeared to be based only on an observation of functional data so it was converted to no classification on 2025-07-30.

Literature cited by the submitters: PubMed 30209399 (cited by 4 submitters); PubMed 33087888 (cited by Quest Diagnostics Nichols Institute San Juan Capistrano); PubMed 36644153 (cited by Quest Diagnostics Nichols Institute San Juan Capistrano); PubMed 31911673 (cited by Quest Diagnostics Nichols Institute San Juan Capistrano); PubMed 35464868 (cited by Quest Diagnostics Nichols Institute San Juan Capistrano); PubMed 25823446 (cited by 3 submitters); PubMed 20103620 (cited by Labcorp Genetics (formerly Invitae), Labcorp); PubMed 18489799 (cited by Labcorp Genetics (formerly Invitae), Labcorp); PubMed 11320250 (cited by Labcorp Genetics (formerly Invitae), Labcorp); PubMed 11526114 (cited by Labcorp Genetics (formerly Invitae), Labcorp); PubMed 22843421 (cited by Labcorp Genetics (formerly Invitae), Labcorp); PubMed 21725363 (cited by Labcorp Genetics (formerly Invitae), Labcorp); PubMed 23161852 (cited by Labcorp Genetics (formerly Invitae), Labcorp); PubMed 11573085 (cited by Ambry Genetics).